The following is an entry in ClinVar:

ClinVar aggregate classification (germline): Uncertain significance (1 of 4 stars; one submission).

Conditions:
Ataxia-telangiectasia syndrome (AT). Also called: Cerebello-oculocutaneous telangiectasia; Immunodeficiency with ataxia telangiectasia; LOUIS-BAR SYNDROME; AT, COMPLEMENTATION GROUP C; ATAXIA-TELANGIECTASIA, COMPLEMENTATION GROUP A; ATAXIA-TELANGIECTASIA, FRESNO VARIANT. Identifiers: Orphanet 100, MedGen C0004135, MONDO:0008840, OMIM 208900.

Allele frequency attached by ClinVar (database versions not stated): gnomAD exomes below 0.00001 and 0.00001; TOPMed below 0.00001.
gnomAD v4.1: 3 of 1,613,966 alleles (0.00019%); highest among the groups gnomAD compares: African/African-American, 0.0013%; no homozygotes.

Submission:

Labcorp Genetics (formerly Invitae), Labcorp
Classification: Uncertain significance for Ataxia-telangiectasia syndrome. Last evaluated: 2021-08-30. Review status: criteria provided, single submitter. Criteria: Invitae Variant Classification Sherloc (09022015). Collection method: clinical testing. Allele origin: germline.
Comment: This sequence change replaces glutamine with histidine at codon 654 of the ATM protein (p.Gln654His). The glutamine residue is moderately conserved and there is a small physicochemical difference between glutamine and histidine. This variant is not present in population databases (ExAC no frequency). This variant has not been reported in the literature in individuals affected with ATM-related conditions. Algorithms developed to predict the effect of missense changes on protein structure and function (SIFT, PolyPhen-2, Align-GVGD) all suggest that this variant is likely to be tolerated. In summary, the available evidence is currently insufficient to determine the role of this variant in disease. Therefore, it has been classified as a Variant of Uncertain Significance.

NM_000051.4(ATM):c.1962G>T (p.Gln654His)

Gene: ATM (ATM serine/threonine kinase; plus strand). Cytogenetic location: 11q22.3.
Variant type: single nucleotide variant.
Coding change: c.1962G>T on transcript NM_000051.4 (MANE Select); coding-DNA position 1962, G replaced by T.
Protein change: p.Gln654His; replaces glutamine 654 with histidine.
Molecular consequence: missense variant.
Genome position (GRCh38, 1-based): chr11:108,253,877, G>T. VCF-style: chr11-108253877-G-T. GRCh37 (hg19) VCF-style: chr11-108124604-G-T.
Other names: c.1962G>T, p.Gln654His (NM_001351834.2); short protein forms Q654H.
Identifiers: ClinVar variation 935510 (VCV000935510.7), dbSNP rs1416371202, ClinGen allele CA382536785.